The following is an entry in ClinVar:

NM_015426.5(POC1A):c.784C>T (p.Arg262Trp)

Gene: POC1A (POC1 centriolar protein A; minus strand). Cytogenetic location: 3p21.2.
Variant type: single nucleotide variant.
Coding change: c.784C>T on transcript NM_015426.5 (MANE Select); coding-DNA position 784, C replaced by T.
Protein change: p.Arg262Trp; replaces arginine 262 with tryptophan.
Molecular consequence: missense variant.
Genome position (GRCh38, 1-based): chr3:52,138,198, G>A on the plus strand (C>T on the coding strand, the complement: POC1A is on the minus strand). VCF-style: chr3-52138198-G-A. GRCh37 (hg19) VCF-style: chr3-52172214-G-A.
Other names: c.784C>T, p.Arg262Trp (NM_001161580.2); c.670C>T, p.Arg224Trp (NM_001161581.2); short protein forms R224W, R262W.
Identifiers: ClinVar variation 211926 (VCV000211926.16), dbSNP rs146976547, ClinGen allele CA208421.
Genomic context (GRCh38, chr3:52,138,198, plus strand): 5'-CACCACTCAGCACCTGGCCGACACCTCTCACCTGATGCCCGTGGAGTGTGTAGAGCAGCC[G>A]GCCCTCCATCAGGTCCAGGATCTTCAGGGTTGAGTCACTGGAGGCTGTGATCAGGTAGTT-3'
Protein context (NP_056241.3, residues 252-272): TLKILDLMEG[Arg262Trp]LLYTLHGHQG

ClinVar aggregate classification (germline): Conflicting classifications of pathogenicity. Review status: criteria provided, conflicting classifications (1 of 4 stars). 9 submissions from 9 submitters: Uncertain significance (7); Likely benign (2). Last evaluated 2025-03-12.

Conditions:
Inborn genetic diseases. Identifiers: MedGen C0950123, MeSH D030342.
Short stature-onychodysplasia-facial dysmorphism-hypotrichosis syndrome. Also called: SOFT SYNDROME; Short stature, onychodysplasia, facial dysmorphism, and hypotrichosis. Identifiers: Orphanet 314394, MedGen C3542022, MONDO:0013894, OMIM 614813.

Allele frequency attached by ClinVar (database versions not stated): ESP Exome Variant Server 0.00015; gnomAD 0.00019 and 0.00023; gnomAD exomes 0.00021 and 0.00024; ExAC 0.00022; TOPMed 0.00028.

Submissions (9):

GeneDx
Classification: Uncertain significance. Last evaluated: 2025-03-12. Review status: criteria provided, single submitter. Criteria: GeneDx Variant Classification Process June 2021. Collection method: clinical testing. Allele origin: germline. Affected: yes.
Comment: Identified in siblings with growth retardation in published literature; however, each sibling was reported to have a different genetic etiology for the phenotype (PMID: 36588761); In silico analysis supports that this missense variant has a deleterious effect on protein structure/function; This variant is associated with the following publications: (PMID: 36588761)

Blueprint Genetics
Classification: Likely benign. Last evaluated: 2024-10-24. Review status: criteria provided, single submitter. Criteria: ACMG Guidelines, 2015. Collection method: clinical testing. Allele origin: germline.

Labcorp Genetics (formerly Invitae), Labcorp
Classification: Uncertain significance. Last evaluated: 2022-10-17. Review status: criteria provided, single submitter. Criteria: Invitae Variant Classification Sherloc (09022015). Collection method: clinical testing. Allele origin: germline.
Comment: This sequence change replaces arginine, which is basic and polar, with tryptophan, which is neutral and slightly polar, at codon 262 of the POC1A protein (p.Arg262Trp). This variant is present in population databases (rs146976547, gnomAD 0.03%). This variant has not been reported in the literature in individuals affected with POC1A-related conditions. ClinVar contains an entry for this variant (Variation ID: 211926). Advanced modeling of protein sequence and biophysical properties (such as structural, functional, and spatial information, amino acid conservation, physicochemical variation, residue mobility, and thermodynamic stability) performed at Invitae indicates that this missense variant is expected to disrupt POC1A protein function. In summary, the available evidence is currently insufficient to determine the role of this variant in disease. Therefore, it has been classified as a Variant of Uncertain Significance.

Department of Pathology and Laboratory Medicine, Sinai Health System
Classification: Uncertain significance for Short stature-onychodysplasia-facial dysmorphism-hypotrichosis syndrome. Last evaluated: 2021-08-09. Review status: criteria provided, single submitter. Criteria: ACMG Guidelines, 2015. Collection method: research. Allele origin: germline.

Ambry Genetics
Classification: Uncertain significance for Inborn genetic diseases. Last evaluated: 2021-08-02. Review status: criteria provided, single submitter. Criteria: Ambry Variant Classification Scheme 2023. Collection method: clinical testing. Allele origin: germline.

Baylor Genetics
Classification: Uncertain significance for Short stature-onychodysplasia-facial dysmorphism-hypotrichosis syndrome. Last evaluated: 2020-05-05. Review status: criteria provided, single submitter. Criteria: ACMG Guidelines, 2015. Collection method: clinical testing. Allele origin: unknown. Affected: yes.
Comment: This variant was determined to be of uncertain significance according to ACMG Guidelines, 2015 [PMID:25741868].

Center for Pediatric Genomic Medicine, Children's Mercy Hospital and Clinics
Classification: Uncertain significance. Last evaluated: 2017-05-02. Review status: criteria provided, single submitter. Criteria: ACMG Guidelines, 2015. Collection method: clinical testing. Allele origin: germline.

Genetic Services Laboratory, University of Chicago
Classification: Uncertain significance. Last evaluated: 2015-08-06. Review status: criteria provided, single submitter. Criteria: ACMG Guidelines, 2015. Collection method: clinical testing. Allele origin: germline.

Pathology and Clinical Laboratory Medicine, King Fahad Medical City
Classification: Likely benign. Review status: criteria provided, single submitter. Criteria: ACMG Guidelines, 2015. Collection method: clinical testing. Allele origin: germline. Affected: no. Observed: 7 variant alleles.